The following is an entry in ClinVar:

ClinVar aggregate classification (germline): Uncertain significance (1 of 4 stars; one submission).

Allele frequency attached by ClinVar (database versions not stated): ExAC 0.00001; gnomAD exomes 0.00001 and 0.00002.
gnomAD v4.1: 10 of 1,613,510 alleles (0.00062%); highest among the groups gnomAD compares: East Asian, 0.0045%; no homozygotes.

Submission:

Labcorp Genetics (formerly Invitae), Labcorp
Classification: Uncertain significance. Last evaluated: 2021-10-18. Review status: criteria provided, single submitter. Criteria: Invitae Variant Classification Sherloc (09022015). Collection method: clinical testing. Allele origin: germline.
Comment: In summary, the available evidence is currently insufficient to determine the role of this variant in disease. Therefore, it has been classified as a Variant of Uncertain Significance. Algorithms developed to predict the effect of missense changes on protein structure and function are either unavailable or do not agree on the potential impact of this missense change (SIFT: "Tolerated"; PolyPhen-2: "Possibly Damaging"; Align-GVGD: "Class C0"). This variant has not been reported in the literature in individuals affected with SORL1-related conditions. This variant is present in population databases (rs746810090, ExAC 0.006%). This sequence change replaces glutamic acid with lysine at codon 356 of the SORL1 protein (p.Glu356Lys). The glutamic acid residue is highly conserved and there is a small physicochemical difference between glutamic acid and lysine.

NM_003105.6(SORL1):c.1066G>A (p.Glu356Lys)

Gene: SORL1 (sortilin related receptor 1; plus strand). Cytogenetic location: 11q24.1.
Variant type: single nucleotide variant.
Coding change: c.1066G>A on transcript NM_003105.6 (MANE Select); coding-DNA position 1066, G replaced by A.
Protein change: p.Glu356Lys; replaces glutamic acid 356 with lysine.
Molecular consequence: missense variant.
Genome position (GRCh38, 1-based): chr11:121,514,176, G>A. VCF-style: chr11-121514176-G-A. GRCh37 (hg19) VCF-style: chr11-121384885-G-A.
Other names: short protein forms E356K.
Identifiers: ClinVar variation 1400263 (VCV001400263.6), dbSNP rs746810090, ClinGen allele CA6328547.
Genomic context (GRCh38, chr11:121,514,176, plus strand): 5'-TTTTTGACGTATCTTTTTTGACTTTTGATTCCAAAGGAATATTACATCGCAGATGCCTCC[G>A]AGGACCAGGTGTTTGTGTGTGTCAGCCACAGTAACAACCGCACCAATTTATACATCTCAG-3'
Protein context (NP_003096.2, residues 346-366): INEYYIADAS[Glu356Lys]DQVFVCVSHS